The following is an entry in ClinVar:

NM_025009.5(CEP135):c.1644_1646del (p.Ala549del)

Gene: CEP135 (centrosomal protein 135; plus strand). Cytogenetic location: 4q12.
Variant type: Deletion.
Coding change: c.1644_1646del on transcript NM_025009.5 (MANE Select); coding-DNA positions 1644 to 1646, 3 bases deleted (TGC; older notation c.1644_1646delTGC).
Protein change: p.Ala549del; deletes alanine 549.
Molecular consequence: inframe deletion.
Genome position (GRCh38, 1-based): chr4:55,981,244-55,981,246, TGC deleted; deleting any 3 consecutive bases within chr4:55,981,243-55,981,246 gives the same sequence; the c. name uses the placement nearest the transcript's 3' end. VCF-style (leftmost placement, unchanged base first): chr4-55981242-TCTG-T. GRCh37 (hg19) VCF-style: chr4-56847408-TCTG-T.
Other names: short protein forms A549del.
Identifiers: ClinVar variation 1337864 (VCV001337864.8), dbSNP rs776271846, ClinGen allele CA2927924.

ClinVar aggregate classification (germline): Conflicting classifications of pathogenicity. Review status: criteria provided, conflicting classifications (1 of 4 stars). 2 submissions from 2 submitters: Uncertain significance (1); Likely benign (1). Last evaluated 2025-09-09.

Submissions (2):

Labcorp Genetics (formerly Invitae), Labcorp
Classification: Likely benign. Last evaluated: 2025-09-09. Review status: criteria provided, single submitter. Criteria: Invitae Variant Classification Sherloc (09022015). Collection method: clinical testing. Allele origin: germline.

Genetic Services Laboratory, University of Chicago
Classification: Uncertain significance. Last evaluated: 2021-11-16. Review status: criteria provided, single submitter. Criteria: ACMG Guidelines, 2015. Collection method: clinical testing. Allele origin: germline. Affected: no.
Comment: DNA sequence analysis of the CEP135 gene demonstrated a three base pair deletion in exon 13, c.1644_1646del. This in-frame deletion is predicted to result in the deletion of one amino acid residue, p.Ala549del. This deletion does not appear to have been previously described in individuals with CEP135 -related disorders. This deletion has been described in the gnomAD database with a frequency of 0.3% in the South Asian subpopulation including one homozygous individual (dbSNP rs776271846). The functional significance of this sequence change is not known at present and its contribution to this individual's disease phenotype cannot definitively be determined.